The following is an entry in ClinVar:

NM_016004.5(IFT52):c.429del (p.Ala144fs)

Gene: IFT52 (intraflagellar transport 52; plus strand). Cytogenetic location: 20q13.12.
Variant type: Deletion.
Coding change: c.429del on transcript NM_016004.5 (MANE Select); coding-DNA position 429, one base deleted (T; older notation c.429delT).
Protein change: p.Ala144fs; shifts the reading frame from alanine 144.
Molecular consequence: frameshift variant. On other transcripts: 5 prime UTR variant (4).
Genome position (GRCh38, 1-based): chr20:43,605,017, T deleted. VCF-style (leftmost placement, unchanged base first): chr20-43605016-CT-C. GRCh37 (hg19) VCF-style: chr20-42233656-CT-C.
Other names: c.429del, p.Ala144fs (NM_001303458.3, NM_001303459.3); c.-243del (NM_001323578.2, NM_001323580.2); c.-336del (NM_001323579.2, NM_001323581.2); short protein forms A144fs.
Identifiers: ClinVar variation 2414856 (VCV002414856.6), dbSNP rs1300910809, ClinGen allele CA635504590.

ClinVar aggregate classification (germline): Uncertain significance (1 of 4 stars; one submission).

Allele frequency attached by ClinVar (database versions not stated): gnomAD exomes below 0.00001.

Submission:

Labcorp Genetics (formerly Invitae), Labcorp
Classification: Uncertain significance. Last evaluated: 2024-01-15. Review status: criteria provided, single submitter. Criteria: Invitae Variant Classification Sherloc (09022015). Collection method: clinical testing. Allele origin: germline.
Comment: This sequence change creates a premature translational stop signal (p.Ala144Glnfs*31) in the IFT52 gene. It is expected to result in an absent or disrupted protein product. However, the current clinical and genetic evidence is not sufficient to establish whether loss-of-function variants in IFT52 cause disease. This variant is present in population databases (no rsID available, gnomAD 0.003%). This variant has not been reported in the literature in individuals affected with IFT52-related conditions. ClinVar contains an entry for this variant (Variation ID: 2414856). Algorithms developed to predict the effect of sequence changes on RNA splicing suggest that this variant may disrupt the consensus splice site. In summary, the available evidence is currently insufficient to determine the role of this variant in disease. Therefore, it has been classified as a Variant of Uncertain Significance.